The following is an entry in ClinVar:

ClinVar aggregate classification (germline): Likely benign (1 of 4 stars; one submission).

Submission:

CeGaT Center for Human Genetics Tuebingen
Classification: Likely benign. Last evaluated: 2023-02-01. Review status: criteria provided, single submitter. Criteria: CeGaT Center For Human Genetics Tuebingen Variant Classification Criteria Version 2. Collection method: clinical testing. Allele origin: germline. Affected: yes. Observed: 1 variant allele.
Comment: PRX: PM2:Supporting, BP4, BP7

NM_181882.3(PRX):c.876C>G (p.Val292=)

Gene: PRX (periaxin; minus strand). Cytogenetic location: 19q13.2.
Variant type: single nucleotide variant.
Coding change: c.876C>G on transcript NM_181882.3 (MANE Select); coding-DNA position 876, C replaced by G.
Protein change: p.Val292=; no amino-acid change (valine 292 retained).
Molecular consequence: synonymous variant. On other transcripts: 3 prime UTR variant (1).
Genome position (GRCh38, 1-based): chr19:40,397,476, G>C on the plus strand (C>G on the coding strand, the complement: PRX is on the minus strand). VCF-style: chr19-40397476-G-C. GRCh37 (hg19) VCF-style: chr19-40903383-G-C.
Other names: c.1161C>G, p.Val387= (NM_001411127.1); c.*1081C>G (NM_020956.2).
Identifiers: ClinVar variation 2649880 (VCV002649880.24), dbSNP rs2514808164, ClinGen allele CA507680411.